The following is an entry in ClinVar:

NM_033056.4(PCDH15):c.4548_4551dup (p.Asp1518delinsIleTer)

Gene: PCDH15 (protocadherin related 15; minus strand). Cytogenetic location: 10q21.1.
Variant type: Duplication.
Coding change: c.4548_4551dup on transcript NM_033056.4 (MANE Plus Clinical); coding-DNA positions 4548 to 4551, 4 bases duplicated (ATCT; older notation c.4548_4551dupATCT).
Protein change: p.Asp1518delinsIleTer.
Molecular consequence: nonsense. On other transcripts: intron variant (8).
Genome position (GRCh38, 1-based): chr10:53,823,175-53,823,178, AGAT duplicated on the plus strand (ATCT on the coding strand, the reverse complement: PCDH15 is on the minus strand); duplicating any 4 consecutive bases within chr10:53,823,175-53,823,181 gives the same sequence; the c. name uses the placement nearest the transcript's 3' end. VCF-style (leftmost placement, unchanged base first): chr10-53823174-C-CAGAT. GRCh37 (hg19) VCF-style: chr10-55582934-C-CAGAT.
Other names: c.4569_4572dup, p.Asp1525delinsIleTer (NM_001142763.2); c.4554_4557dup, p.Asp1520delinsIleTer (NM_001142764.2); c.4341_4344dup, p.Asp1449delinsIleTer (NM_001142765.2); c.4539_4542dup, p.Asp1515delinsIleTer (NM_001142766.2); c.4428_4431dup, p.Asp1478delinsIleTer (NM_001142767.2); c.4488_4491dup, p.Asp1498delinsIleTer (NM_001142768.2); c.4479_4482dup, p.Asp1495delinsIleTer (NM_001142773.2); c.4482_4485dup, p.Asp1496delinsIleTer (NM_001354404.2); and 7 more.
Identifiers: ClinVar variation 847128 (VCV000847128.10), dbSNP rs1233449433, ClinGen allele CA593783052.

ClinVar aggregate classification (germline): Conflicting classifications of pathogenicity. Review status: criteria provided, conflicting classifications (1 of 4 stars). 4 submissions from 4 submitters: Pathogenic (1); Likely pathogenic (2); Uncertain significance (1). Last evaluated 2026-02-28.

Conditions:
Usher syndrome type 1D (USH1D). Also called: USHER SYNDROME, TYPE ID. Identifiers: Orphanet 231169, Orphanet 886, MedGen C1832845, MONDO:0010984, OMIM 601067.
Usher syndrome type 1F (USH1F). Also called: USHER SYNDROME, TYPE IF. Identifiers: Orphanet 231169, Orphanet 886, MedGen C1865885, MONDO:0011186, OMIM 602083.
Autosomal recessive nonsyndromic hearing loss 23. Identifiers: Orphanet 90636, MedGen C1836027, MONDO:0012293, OMIM 609533.
PCDH15-related disorder. Also called: PCDH15-related disorders; PCDH15-related condition.

Submissions (4):

GeneDx
Classification: Likely pathogenic. Last evaluated: 2026-02-28. Review status: criteria provided, single submitter. Criteria: GeneDx Variant Classification Process June 2021. Collection method: clinical testing. Allele origin: germline.
Comment: Identified in a patient referred for general carrier screening in published literature (PMID: 25307757); no additional information was provided; Frameshift variant predicted to result in abnormal protein length as the last 438 amino acids are replaced with 1 different amino acid, and other similar variants have been reported in HGMD; Not observed at significant frequency in large population cohorts (gnomAD); This variant is associated with the following publications: (PMID: 25307757)

Labcorp Genetics (formerly Invitae), Labcorp
Classification: Pathogenic. Last evaluated: 2025-09-06. Review status: criteria provided, single submitter. Criteria: Invitae Variant Classification Sherloc (09022015). Collection method: clinical testing. Allele origin: germline.
Comment: This sequence change creates a premature translational stop signal (p.Asp1518Ilefs*2) in the PCDH15 gene. While this is not anticipated to result in nonsense mediated decay, it is expected to disrupt the last 438 amino acid(s) of the PCDH15 protein. This variant is present in population databases (no rsID available, gnomAD 0.0009%). This variant has not been reported in the literature in individuals affected with PCDH15-related conditions. ClinVar contains an entry for this variant (Variation ID: 847128). Algorithms developed to predict the effect of sequence changes on RNA splicing suggest that this variant may disrupt the consensus splice site. This variant disrupts a region of the PCDH15 protein in which other variant(s) (p.Gln1576*) have been determined to be pathogenic (PMID: 28281779). This suggests that this is a clinically significant region of the protein, and that variants that disrupt it are likely to be disease-causing. For these reasons, this variant has been classified as Pathogenic.

PreventionGenetics, part of Exact Sciences
Classification: Uncertain significance for PCDH15-related condition. Last evaluated: 2025-03-13. Review status: criteria provided, single submitter. Criteria: ACMG Guidelines, 2015. Collection method: clinical testing. Allele origin: germline.
Comment: The PCDH15 c.4548_4551dupATCT variant is predicted to result in a frameshift and premature protein termination (p.Asp1518Ilefs*2). To our knowledge, this variant has not been reported in the literature. This variant is reported in 0.0018% of alleles in individuals of European (Non-Finnish) descent in gnomAD. This variant occurs in the last exon of the PCDH15 alternatively spliced transcript known as CD1 (NM_033056), but this exon is not required for proper inner ear hair cell function and maintenance of hearing and is not included in the biologically relevant transcript for hearing loss known as CD2 (NM_001142769; Webb et al. 2011. PubMed ID: 21427143; Pepermans et al. 2014. PubMed ID: 24940003). Furthermore, loss of function variants in this exon of CD1 have been shown to occur at population frequencies inconsistent with pathogenicity (Perreault-Micale et al. 2014. PubMed ID: 25307757). Although we suspect that this variant may be benign, at this time, the clinical significance of this variant is uncertain due to the absence of conclusive functional and genetic evidence.

Fulgent Genetics
Classification: Likely pathogenic for Usher syndrome type 1D; Usher syndrome type 1F; Autosomal recessive nonsyndromic hearing loss 23. Last evaluated: 2022-02-14. Review status: criteria provided, single submitter. Criteria: ACMG Guidelines, 2015. Collection method: clinical testing. Allele origin: unknown.

Literature cited by the submitters: PubMed 28281779 (cited by Labcorp Genetics (formerly Invitae), Labcorp).